The following is an entry in ClinVar:

ClinVar aggregate classification (germline): Uncertain significance (1 of 4 stars; one submission).

Conditions:
Mitochondrial complex II deficiency, nuclear type 1. Also called: SUCCINATE CoQ REDUCTASE DEFICIENCY. Identifiers: Orphanet 3208, MedGen C5700310, MONDO:0100294, OMIM 252011.
Pheochromocytoma/paraganglioma syndrome 5. Also called: Paragangliomas 5; SDHA-Related Hereditary Paraganglioma-Pheochromocytoma Syndrome. Identifiers: Orphanet 29072, MedGen C3279992, MONDO:0013602, OMIM 614165.

Submission:

Labcorp Genetics (formerly Invitae), Labcorp
Classification: Uncertain significance for Pheochromocytoma/paraganglioma syndrome 5; Mitochondrial complex II deficiency, nuclear type 1. Last evaluated: 2025-07-09. Review status: criteria provided, single submitter. Criteria: Invitae Variant Classification Sherloc (09022015). Collection method: clinical testing. Allele origin: germline.
Comment: This sequence change replaces asparagine, which is neutral and polar, with serine, which is neutral and polar, at codon 113 of the SDHA protein (p.Asn113Ser). This variant is not present in population databases (gnomAD no frequency). This variant has not been reported in the literature in individuals affected with SDHA-related conditions. ClinVar contains an entry for this variant (Variation ID: 944640). Invitae Evidence Modeling of protein sequence and biophysical properties (such as structural, functional, and spatial information, amino acid conservation, physicochemical variation, residue mobility, and thermodynamic stability) indicates that this missense variant is not expected to disrupt SDHA protein function with a negative predictive value of 95%. In summary, the available evidence is currently insufficient to determine the role of this variant in disease. Therefore, it has been classified as a Variant of Uncertain Significance.

NM_004168.4(SDHA):c.338A>G (p.Asn113Ser)

Gene: SDHA (succinate dehydrogenase complex flavoprotein subunit A; plus strand). Cytogenetic location: 5p15.33.
Variant type: single nucleotide variant.
Coding change: c.338A>G on transcript NM_004168.4 (MANE Select); coding-DNA position 338, A replaced by G.
Protein change: p.Asn113Ser; replaces asparagine 113 with serine.
Molecular consequence: missense variant. On other transcripts: intron variant (1).
Genome position (GRCh38, 1-based): chr5:225,444, A>G. VCF-style: chr5-225444-A-G. GRCh37 (hg19) VCF-style: chr5-225559-A-G.
Other names: c.338A>G, p.Asn113Ser (NM_001330758.2); c.313-439A>G (NM_001294332.2); short protein forms N113S.
Identifiers: ClinVar variation 944640 (VCV000944640.10), dbSNP rs1734955271, ClinGen allele CA359009228.